The following is an entry in ClinVar:

NM_001042492.3(NF1):c.239_242del (p.Tyr80fs)

Gene: NF1 (neurofibromin 1; plus strand). Cytogenetic location: 17q11.2.
Variant type: Deletion.
Coding change: c.239_242del on transcript NM_001042492.3 (MANE Select); coding-DNA positions 239 to 242, 4 bases deleted (ATCT; older notation c.239_242delATCT).
Protein change: p.Tyr80fs; shifts the reading frame from tyrosine 80.
Molecular consequence: frameshift variant.
Genome position (GRCh38, 1-based): chr17:31,159,044-31,159,047, ATCT deleted; deleting any 4 consecutive bases within chr17:31,159,043-31,159,047 gives the same sequence; the c. name uses the placement nearest the transcript's 3' end. VCF-style (leftmost placement, unchanged base first): chr17-31159042-ATATC-A. GRCh37 (hg19) VCF-style: chr17-29486060-ATATC-A.
Other names: c.239_242delATCT, p.Tyr80Serfs (NM_000267.4); c.239_242del, p.Tyr80fs (NM_001128147.3); short protein forms Y80fs.
Identifiers: ClinVar variation 1073379 (VCV001073379.5), dbSNP rs2143645885, ClinGen allele CA2499223973.

ClinVar aggregate classification (germline): Pathogenic (1 of 4 stars; one submission).

Conditions:
Neurofibromatosis, type 1 (NF1). Also called: VON RECKLINGHAUSEN DISEASE; Peripheral type neurofibromatosis; NEUROFIBROMATOSIS, TYPE I, SOMATIC; Neurofibromatosis, type I. Identifiers: Orphanet 636, MedGen C0027831, MONDO:0018975, OMIM 162200. Disease mechanism: loss of function.

Submission:

Labcorp Genetics (formerly Invitae), Labcorp
Classification: Pathogenic for Neurofibromatosis, type 1. Last evaluated: 2020-05-13. Review status: criteria provided, single submitter. Criteria: Invitae Variant Classification Sherloc (09022015). Collection method: clinical testing. Allele origin: germline.
Comment: Loss-of-function variants in NF1 are known to be pathogenic (PMID: 10712197, 23913538). For these reasons, this variant has been classified as Pathogenic. This variant has not been reported in the literature in individuals with NF1-related conditions. This variant is not present in population databases (ExAC no frequency). This sequence change creates a premature translational stop signal (p.Tyr80Serfs*4) in the NF1 gene. It is expected to result in an absent or disrupted protein product.

Literature cited by the submitters: PubMed 10712197; PubMed 23913538.